The following is an entry in ClinVar:

NM_001145860.2(POP1):c.421C>T (p.Arg141Ter)

Gene: POP1 (POP1 ribonuclease P/MRP subunit; plus strand). Cytogenetic location: 8q22.2.
Variant type: single nucleotide variant.
Coding change: c.421C>T on transcript NM_001145860.2 (MANE Select); coding-DNA position 421, C replaced by T.
Protein change: p.Arg141Ter; replaces arginine 141 with a stop codon.
Molecular consequence: nonsense.
Genome position (GRCh38, 1-based): chr8:98,128,475, C>T. VCF-style: chr8-98128475-C-T. GRCh37 (hg19) VCF-style: chr8-99140703-C-T.
Other names: c.421C>T, p.Arg141Ter (NM_001145861.2, NM_015029.3); short protein forms R141*.
Identifiers: ClinVar variation 3001580 (VCV003001580.3), dbSNP rs374710242, ClinGen allele CA4820307.

ClinVar aggregate classification (germline): Pathogenic (1 of 4 stars; one submission).

Allele frequency attached by ClinVar (database versions not stated): gnomAD 0.00001; gnomAD exomes 0.00001; TOPMed 0.00001; ExAC 0.00003; ESP Exome Variant Server 0.00008.

Submission:

Labcorp Genetics (formerly Invitae), Labcorp
Classification: Pathogenic. Last evaluated: 2024-10-17. Review status: criteria provided, single submitter. Criteria: Invitae Variant Classification Sherloc (09022015). Collection method: clinical testing. Allele origin: germline.
Comment: This sequence change creates a premature translational stop signal (p.Arg141*) in the POP1 gene. It is expected to result in an absent or disrupted protein product. Loss-of-function variants in POP1 are known to be pathogenic (PMID: 21455487). This variant is present in population databases (rs374710242, gnomAD 0.006%). This variant has not been reported in the literature in individuals affected with POP1-related conditions. For these reasons, this variant has been classified as Pathogenic.

Literature cited by the submitters: PubMed 21455487.